The following is an entry in ClinVar:

ClinVar aggregate classification (germline): Conflicting classifications of pathogenicity. Review status: criteria provided, conflicting classifications (1 of 4 stars). 11 submissions from 11 submitters: Uncertain significance (2); Benign (2); Likely benign (6). 1 of the submissions does not count toward it. Last evaluated 2026-01-18.

Conditions:
Hereditary cancer-predisposing syndrome. Also called: Hereditary Cancer Syndrome; Tumor predisposition; Neoplastic Syndromes, Hereditary; Hereditary neoplastic syndrome. Identifiers: Orphanet 140162, MedGen C0027672, MeSH D009386, MONDO:0015356.
Tuberous sclerosis syndrome (TSC). Also called: Tuberous Sclerosis Complex; Tuberous sclerosis. Identifiers: Orphanet 805, MedGen C0041341, MONDO:0001734.
Tuberous sclerosis 2 (TSC2). Identifiers: Orphanet 805, MedGen C1860707, MONDO:0013199, OMIM 613254.

Allele frequency attached by ClinVar (database versions not stated): gnomAD exomes 0.00002; ExAC 0.00003; TOPMed 0.00003; 1000 Genomes Project 0.00020; gnomAD 0.00004; 1000 Genomes Project 30x 0.00016.
gnomAD v4.1: 48 of 1,613,092 alleles (0.003%); highest among the groups gnomAD compares: East Asian, 0.013%; no homozygotes.

Submissions (11):

Labcorp Genetics (formerly Invitae), Labcorp
Classification: Benign for Tuberous sclerosis 2. Last evaluated: 2026-01-18. Review status: criteria provided, single submitter. Criteria: Invitae Variant Classification Sherloc (09022015). Collection method: clinical testing. Allele origin: germline.

Color Diagnostics, LLC DBA Color Health
Classification: Benign for Tuberous sclerosis syndrome. Last evaluated: 2025-11-11. Review status: criteria provided, single submitter. Criteria: ACMG Guidelines, 2015. Collection method: clinical testing. Allele origin: germline.

CeGaT Center for Human Genetics Tuebingen
Classification: Likely benign. Last evaluated: 2024-12-01. Review status: criteria provided, single submitter. Criteria: CeGaT Center For Human Genetics Tuebingen Variant Classification Criteria Version 2. Collection method: clinical testing. Allele origin: germline. Affected: yes. Observed: 4 variant alleles.
Comment: TSC2: BS2

Myriad Genetics, Inc.
Classification: Likely benign for Tuberous sclerosis 2. Last evaluated: 2024-08-14. Review status: criteria provided, single submitter. Criteria: Myriad Autosomal Dominant, Autosomal Recessive and X-Linked Classification Criteria (2023). Collection method: clinical testing. Allele origin: unknown.
Comment: This variant is considered likely benign. This variant has been observed at a population frequency that is significantly greater than expected given the associated disease prevalence and penetrance.

Quest Diagnostics Nichols Institute San Juan Capistrano
Classification: Uncertain significance. Last evaluated: 2024-07-16. Review status: criteria provided, single submitter. Criteria: Quest Diagnostics criteria. Collection method: clinical testing. Allele origin: unknown.

Women's Health and Genetics/Laboratory Corporation of America, LabCorp
Classification: Likely benign. Last evaluated: 2022-06-03. Review status: criteria provided, single submitter. Criteria: LabCorp Variant Classification Summary - May 2015. Collection method: clinical testing. Allele origin: germline.
Comment: Variant summary: TSC2 c.2887G>A (p.Val963Met) results in a conservative amino acid change in the encoded protein sequence. Three of five in-silico tools predict a damaging effect of the variant on protein function. The variant allele was found at a frequency of 2e-05 in 250820 control chromosomes. The available data on variant occurrences in the general population are insufficient to allow any conclusion about variant significance. c.2887G>A has been reported in the literature in an individuals affected with sporadic Tuberous Sclerosis (example, Zhang_1999). These report(s) do not provide unequivocal conclusions about association of the variant with Tuberous Sclerosis Complex. At-least one co-occurrence with another pathogenic variant has been reported in the LOVD database citing an unpublished source (TSC2 c.2105_2108del, p.Asp702Glyfs*4), providing supporting evidence for a benign role. To our knowledge, no experimental evidence demonstrating an impact on protein function has been reported. Four clinical diagnostic laboratories have submitted clinical-significance assessments for this variant to ClinVar after 2014 without evidence for independent evaluation. Based on the evidence outlined above, the variant was classified as likely benign.

Sema4
Classification: Uncertain significance for Hereditary cancer-predisposing syndrome. Last evaluated: 2022-03-06. Review status: criteria provided, single submitter. Criteria: Sema4 Curation Guidelines. Collection method: curation. Allele origin: germline.
Comment: The TSC2 c.2887G>A (p.V963M) variant has been reported in heterozygosity in at least one individual with tuberous sclerosis complex (PMID: 10570911). This variant was observed in 6/282202 chromosomes across all population in the large and broad cohorts in the Genome Aggregation Database (PMID: 32461654). The variant has been reported in ClinVar (Variation ID: 49235). Functional studies have not been performed, and in silico predictions of the variant's effect on protein function are inconclusive. The evidence is insufficient to meet ACMG/AMP criteria for classifying the variant as benign or pathogenic. Thus, the clinical significance of this variant is currently uncertain.

Genome-Nilou Lab
Classification: Likely benign for Tuberous sclerosis 2. Last evaluated: 2021-11-07. Review status: criteria provided, single submitter. Criteria: ACMG Guidelines, 2015. Collection method: clinical testing. Allele origin: germline. Affected: no.

Ambry Genetics
Classification: Likely benign for Hereditary cancer-predisposing syndrome. Last evaluated: 2021-05-13. Review status: criteria provided, single submitter. Criteria: Ambry Variant Classification Scheme 2023. Collection method: clinical testing. Allele origin: germline.

GeneDx
Classification: Likely benign. Last evaluated: 2020-02-25. Review status: criteria provided, single submitter. Criteria: GeneDx Variant Classification Process June 2021. Collection method: clinical testing. Allele origin: germline. Affected: yes.
Comment: This variant is associated with the following publications: (PMID: 31875159, 10570911, 26332594)

Tuberous sclerosis database (TSC2)
No classification provided. Condition: TSC. Review status: no classification provided. Criteria: Tuberous Sclerosis Database Assertion Criteria 2015. Collection method: curation. Allele origin: germline. Affected: yes. Not counted in ClinVar's aggregate classification.

Literature cited by the submitters: PubMed 10570911 (cited by 4 submitters); PubMed 26332594 (cited by Quest Diagnostics Nichols Institute San Juan Capistrano and Ambry Genetics); PubMed 23389244 (cited by Quest Diagnostics Nichols Institute San Juan Capistrano).

NM_000548.5(TSC2):c.2887G>A (p.Val963Met)

Gene: TSC2 (TSC complex subunit 2; plus strand). Cytogenetic location: 16p13.3.
Variant type: single nucleotide variant.
Coding change: c.2887G>A on transcript NM_000548.5 (MANE Select); coding-DNA position 2887, G replaced by A.
Protein change: p.Val963Met; replaces valine 963 with methionine.
Molecular consequence: missense variant. On other transcripts: intron variant (9).
Genome position (GRCh38, 1-based): chr16:2,077,647, G>A. VCF-style: chr16-2077647-G-A. GRCh37 (hg19) VCF-style: chr16-2127648-G-A.
Other names: c.2887G>A (NM_000548.4); c.2887G>A, p.Val963Met (NM_001114382.3); c.2837+1062G>A (NM_021055.3, NM_001370405.1, NM_001363528.2 and 2 more transcripts); c.2726+1062G>A (NM_001318827.2); c.2237+1062G>A (NM_001318831.2); c.2690+1062G>A (NM_001318829.2); c.2870+1062G>A (NM_001318832.2); short protein forms V963M.
Identifiers: ClinVar variation 49235 (VCV000049235.46), dbSNP rs45517275, ClinGen allele CA018311.